The following is an entry in ClinVar:

NM_001110556.2(FLNA):c.5054C>T (p.Thr1685Met)

Gene: FLNA (filamin A; minus strand). Cytogenetic location: Xq28.
Variant type: single nucleotide variant.
Coding change: c.5054C>T on transcript NM_001110556.2 (MANE Select); coding-DNA position 5054, C replaced by T.
Protein change: p.Thr1685Met; replaces threonine 1685 with methionine.
Molecular consequence: missense variant.
Genome position (GRCh38, 1-based): chrX:154,354,988, G>A on the plus strand (C>T on the coding strand, the complement: FLNA is on the minus strand). VCF-style: chrX-154354988-G-A. GRCh37 (hg19) VCF-style: chrX-153583356-G-A.
Other names: c.5030C>T, p.Thr1677Met (NM_001456.4); c.5030C>T (NM_001456.3); short protein forms T1677M, T1685M.
Identifiers: ClinVar variation 1009935 (VCV001009935.10), dbSNP rs781783107, ClinGen allele CA10560400.

ClinVar aggregate classification (germline): Conflicting classifications of pathogenicity. Review status: criteria provided, conflicting classifications (1 of 4 stars). 2 submissions from 2 submitters: Uncertain significance (1); Benign (1). Last evaluated 2025-10-29.

Conditions:
Frontometaphyseal dysplasia (FMD1). Identifiers: Orphanet 1826, MedGen C0265293, MONDO:0015942.
Melnick-Needles syndrome (MNS). Also called: MELNICK-NEEDLES OSTEODYSPLASTY; OSTEODYSPLASTY OF MELNICK AND NEEDLES; Melnick-Needles Syndrome (FLNA-MNS). Identifiers: Orphanet 2484, MedGen C0025237, MONDO:0010650, OMIM 309350.
Oto-palato-digital syndrome, type II (OPD2). Also called: FACIOPALATOOSSEOUS SYNDROME; Otopalatodigital Syndrome, Type II; OPD II SYNDROME; Otopalatodigital Syndrome Type 2 (FLNA-OPD2). Identifiers: Orphanet 669, Orphanet 90652, MedGen C1844696, MONDO:0010571, OMIM 304120.
Heterotopia, periventricular, X-linked dominant (PVNH1). Also called: PERIVENTRICULAR NODULAR HETEROTOPIA 1; X-linked periventricular heterotopia; PERIVENTRICULAR NODULAR HETEROTOPIA 4; HETEROTOPIA, PERIVENTRICULAR, 1. Identifiers: Orphanet 2149, Orphanet 82004, MedGen C1848213, MONDO:0010233, OMIM 300049.

Allele frequency attached by ClinVar (database versions not stated): gnomAD exomes 0.00001 and below 0.00001; TOPMed 0.00001; ExAC 0.00001.
gnomAD v4.1: 2 of 1,212,067 alleles (0.00017%); highest among the groups gnomAD compares: Admixed American, 0.0022%; no homozygotes.

Submissions (2):

Labcorp Genetics (formerly Invitae), Labcorp
Classification: Benign for Oto-palato-digital syndrome, type II; Heterotopia, periventricular, X-linked dominant; Frontometaphyseal dysplasia; Melnick-Needles syndrome. Last evaluated: 2025-10-29. Review status: criteria provided, single submitter. Criteria: Invitae Variant Classification Sherloc (09022015). Collection method: clinical testing. Allele origin: germline.

GeneDx
Classification: Uncertain significance. Last evaluated: 2024-05-24. Review status: criteria provided, single submitter. Criteria: GeneDx Variant Classification Process June 2021. Collection method: clinical testing. Allele origin: germline. Affected: yes.
Comment: Not observed at significant frequency in large population cohorts (gnomAD); In silico analysis supports that this missense variant has a deleterious effect on protein structure/function; This variant is associated with the following publications: (PMID: 27457812)